The following is an entry in ClinVar:

NM_181836.6(TMED7):c.193G>A (p.Val65Met)

Genes: TMED7 (transmembrane p24 trafficking protein 7; minus strand), TMED7-TICAM2 (TMED7-TICAM2 readthrough; minus strand). Cytogenetic location: 5q22.3.
Variant type: single nucleotide variant.
Coding change: c.193G>A on transcript NM_181836.6 (MANE Select); coding-DNA position 193, G replaced by A.
Protein change: p.Val65Met; replaces valine 65 with methionine.
Molecular consequence: missense variant.
Genome position (GRCh38, 1-based): chr5:115,620,680, C>T on the plus strand (G>A on the coding strand, the complement: TMED7 is on the minus strand). VCF-style: chr5-115620680-C-T. GRCh37 (hg19) VCF-style: chr5-114956377-C-T.
Other names: c.193G>A, p.Val65Met (NM_001164468.4, NM_001164469.4); short protein forms V65M.
Identifiers: ClinVar variation 2072002 (VCV002072002.4), dbSNP rs2531894318, ClinGen allele CA360714077.

ClinVar aggregate classification (germline): Uncertain significance (1 of 4 stars; one submission).

Submission:

Labcorp Genetics (formerly Invitae), Labcorp
Classification: Uncertain significance. Last evaluated: 2022-03-23. Review status: criteria provided, single submitter. Criteria: Invitae Variant Classification Sherloc (09022015). Collection method: clinical testing. Allele origin: germline.
Comment: In summary, the available evidence is currently insufficient to determine the role of this variant in disease. Therefore, it has been classified as a Variant of Uncertain Significance. Algorithms developed to predict the effect of missense changes on protein structure and function are either unavailable or do not agree on the potential impact of this missense change (SIFT: "Deleterious"; PolyPhen-2: "Probably Damaging"; Align-GVGD: "Class C0"). This variant has not been reported in the literature in individuals affected with TMED7-related conditions. This variant is not present in population databases (gnomAD no frequency). This sequence change replaces valine, which is neutral and non-polar, with methionine, which is neutral and non-polar, at codon 65 of the TMED7 protein (p.Val65Met).